The following is an entry in ClinVar:

ClinVar aggregate classification (germline): Likely benign (1 of 4 stars; one submission).

Submission:

CeGaT Center for Human Genetics Tuebingen
Classification: Likely benign. Last evaluated: 2025-01-01. Review status: criteria provided, single submitter. Criteria: CeGaT Center For Human Genetics Tuebingen Variant Classification Criteria Version 2. Collection method: clinical testing. Allele origin: germline. Affected: yes. Observed: 1 variant allele.
Comment: KDM6B: BP4, BP7

NM_001348716.2(KDM6B):c.4212C>T (p.Gly1404=)

Genes: KDM6B (lysine demethylase 6B; plus strand), LOC121587574 (Sharpr-MPRA regulatory region 3930; plus strand). Cytogenetic location: 17p13.1.
Variant type: single nucleotide variant.
Coding change: c.4212C>T on transcript NM_001348716.2 (MANE Select); coding-DNA position 4212, C replaced by T.
Protein change: p.Gly1404=; no amino-acid change (glycine 1404 retained).
Molecular consequence: synonymous variant.
Genome position (GRCh38, 1-based): chr17:7,851,997, C>T. VCF-style: chr17-7851997-C-T. GRCh37 (hg19) VCF-style: chr17-7755315-C-T.
Other names: c.4212C>T, p.Gly1404= (NM_001080424.2).
Identifiers: ClinVar variation 3771386 (VCV003771386.13).